The following is an entry in ClinVar:

NM_005461.5(MAFB):c.270C>T (p.Ser90=)

Gene: MAFB (MAF bZIP transcription factor B; minus strand). Cytogenetic location: 20q12.
Variant type: single nucleotide variant.
Coding change: c.270C>T on transcript NM_005461.5 (MANE Select); coding-DNA position 270, C replaced by T.
Protein change: p.Ser90=; no amino-acid change (serine 90 retained).
Molecular consequence: synonymous variant.
Genome position (GRCh38, 1-based): chr20:40,688,581, G>A on the plus strand (C>T on the coding strand, the complement: MAFB is on the minus strand). VCF-style: chr20-40688581-G-A. GRCh37 (hg19) VCF-style: chr20-39317221-G-A.
Identifiers: ClinVar variation 3045684 (VCV003045684.3), dbSNP rs1986897063, ClinGen allele CA510757863.

ClinVar aggregate classification (germline): Likely benign. Review status: criteria provided, single submitter (1 of 4 stars). 2 submissions from 2 submitters: Likely benign (1). 1 of the submissions does not count toward it. Last evaluated 2024-11-15.

Conditions:
MAFB-related disorder. Also called: MAFB-related condition.

Allele frequency attached by ClinVar (database versions not stated): TOPMed 0.00001.

Submissions (2):

Blueprint Genetics
Classification: Likely benign. Last evaluated: 2024-11-15. Review status: criteria provided, single submitter. Criteria: ACMG Guidelines, 2015. Collection method: clinical testing. Allele origin: germline.

PreventionGenetics, part of Exact Sciences
Classification: Likely benign for MAFB-related condition. Last evaluated: 2022-02-24. Review status: no assertion criteria provided. Collection method: clinical testing. Allele origin: germline. Not counted in ClinVar's aggregate classification.
Comment: This variant is classified as likely benign based on ACMG/AMP sequence variant interpretation guidelines (Richards et al. 2015 PMID: 25741868, with internal and published modifications).